The following is an entry in ClinVar:

NM_006755.2(TALDO1):c.817G>T (p.Val273Leu)

Gene: TALDO1 (transaldolase 1; plus strand). Cytogenetic location: 11p15.5.
Variant type: single nucleotide variant.
Coding change: c.817G>T on transcript NM_006755.2 (MANE Select); coding-DNA position 817, G replaced by T.
Protein change: p.Val273Leu; replaces valine 273 with leucine.
Molecular consequence: missense variant.
Genome position (GRCh38, 1-based): chr11:763,926, G>T. VCF-style: chr11-763926-G-T. GRCh37 (hg19) VCF-style: chr11-763926-G-T.
Other names: short protein forms V273L.
Identifiers: ClinVar variation 4989527 (VCV004989527.1).

ClinVar aggregate classification (germline): Uncertain significance (1 of 4 stars; one submission).

Conditions:
TALDO1-related disorder. Also called: TALDO1-related condition.

gnomAD v4.1: 7 of 1,610,538 alleles (0.00043%); highest among the groups gnomAD compares: African/African-American, 0.0053%; no homozygotes.

Submission:

PreventionGenetics, part of Exact Sciences
Classification: Uncertain significance for TALDO1-related condition. Last evaluated: 2025-09-26. Review status: criteria provided, single submitter. Criteria: ACMG Guidelines, 2015. Collection method: clinical testing. Allele origin: germline.
Comment: The TALDO1 c.817G>T variant is predicted to result in the amino acid substitution p.Val273Leu. To our knowledge, this variant has not been reported in the literature. This variant is reported in 0.0080% of alleles in individuals of African descent in gnomAD. At this time, the clinical significance of this variant is uncertain due to the absence of conclusive functional and genetic evidence.